The following is an entry in ClinVar:

NM_001330700.2(TOP2B):c.2251T>A (p.Leu751Ile)

Gene: TOP2B (DNA topoisomerase II beta; minus strand). Cytogenetic location: 3p24.2.
Variant type: single nucleotide variant.
Coding change: c.2251T>A on transcript NM_001330700.2 (MANE Select); coding-DNA position 2251, T replaced by A.
Protein change: p.Leu751Ile; replaces leucine 751 with isoleucine.
Molecular consequence: missense variant.
Genome position (GRCh38, 1-based): chr3:25,624,777, A>T on the plus strand (T>A on the coding strand, the complement: TOP2B is on the minus strand). VCF-style: chr3-25624777-A-T. GRCh37 (hg19) VCF-style: chr3-25666268-A-T.
Other names: c.2236T>A, p.Leu746Ile (NM_001068.3); short protein forms L746I, L751I.
Identifiers: ClinVar variation 714232 (VCV000714232.34), dbSNP rs200930765, ClinGen allele CA2288531.
Genomic context (GRCh38, chr3:25,624,777, plus strand): 5'-AGCCAGCCAACTGGGCAACTTTTACTTCACGTTTATCATTCCTCTTGAAACAGGTAAATA[A>T]AACTTTCCGCTGGCCAGGTTTAAAGCCTATTTTTAAAAGAGCTCTTTTAAAATGTTACTT-3'
Protein context (NP_001317629.1, residues 741-761): DGFKPGQRKV[Leu751Ile]FTCFKRNDKR

ClinVar aggregate classification (germline): Likely benign. Review status: criteria provided, multiple submitters, no conflicts (2 of 4 stars). 6 submissions from 6 submitters: Likely benign (4). 2 of the submissions do not count toward it. Last evaluated 2026-01-28.

Conditions:
TOP2B-related disorder. Also called: TOP2B-related condition.

Allele frequency attached by ClinVar (database versions not stated): 1000 Genomes Project 30x 0.00062; 1000 Genomes Project 0.00080; gnomAD exomes 0.00113 and 0.00196; TOPMed 0.00125; ExAC 0.00130; gnomAD 0.00130 and 0.00132; ESP Exome Variant Server 0.00203.
gnomAD v4.1: 3,048 of 1,613,524 alleles (0.19%); highest among the groups gnomAD compares: Non-Finnish European, 0.24%; 3 homozygotes.

Submissions (6):

Labcorp Genetics (formerly Invitae), Labcorp
Classification: Likely benign. Last evaluated: 2026-01-28. Review status: criteria provided, single submitter. Criteria: Invitae Variant Classification Sherloc (09022015). Collection method: clinical testing. Allele origin: germline.

PreventionGenetics, part of Exact Sciences
Classification: Likely benign for TOP2B-related condition. Last evaluated: 2025-03-19. Review status: criteria provided, single submitter. Criteria: ACMG Guidelines, 2015. Collection method: clinical testing. Allele origin: germline.
Comment: This variant is classified as likely benign based on ACMG/AMP sequence variant interpretation guidelines (Richards et al. 2015 PMID: 25741868, with internal and published modifications).

Blueprint Genetics
Classification: Likely benign. Last evaluated: 2024-11-19. Review status: criteria provided, single submitter. Criteria: ACMG Guidelines, 2015. Collection method: clinical testing. Allele origin: germline.

CeGaT Center for Human Genetics Tuebingen
Classification: Likely benign. Last evaluated: 2024-04-01. Review status: criteria provided, single submitter. Criteria: CeGaT Center For Human Genetics Tuebingen Variant Classification Criteria Version 2. Collection method: clinical testing. Allele origin: germline. Affected: yes. Observed: 5 variant alleles.
Comment: TOP2B: BS1

Clinical Genetics DNA and cytogenetics Diagnostics Lab, Erasmus MC, Erasmus Medical Center
Classification: Likely benign. Review status: no assertion criteria provided. Collection method: clinical testing. Allele origin: germline. Affected: yes. Study: VKGL Data-share Consensus. Not counted in ClinVar's aggregate classification.

Genome Diagnostics Laboratory, University Medical Center Utrecht
Classification: Likely benign. Review status: no assertion criteria provided. Collection method: clinical testing. Allele origin: germline. Affected: yes. Study: VKGL Data-share Consensus. Not counted in ClinVar's aggregate classification.